The following is an entry in ClinVar:

NM_213599.3(ANO5):c.308A>G (p.Glu103Gly)

Gene: ANO5 (anoctamin 5; plus strand). Cytogenetic location: 11p14.3.
Variant type: single nucleotide variant.
Coding change: c.308A>G on transcript NM_213599.3 (MANE Select); coding-DNA position 308, A replaced by G.
Protein change: p.Glu103Gly; replaces glutamic acid 103 with glycine.
Molecular consequence: missense variant.
Genome position (GRCh38, 1-based): chr11:22,225,997, A>G. VCF-style: chr11-22225997-A-G. GRCh37 (hg19) VCF-style: chr11-22247543-A-G.
Other names: c.305A>G, p.Glu102Gly (NM_001142649.2); c.266A>G, p.Glu89Gly (NM_001410963.1); c.263A>G, p.Glu88Gly (NM_001410964.1); short protein forms E102G, E103G, E88G, E89G.
Identifiers: ClinVar variation 3758947 (VCV003758947.3).

ClinVar aggregate classification (germline): Uncertain significance. Review status: criteria provided, multiple submitters, no conflicts (2 of 4 stars). 2 submissions from 2 submitters: Uncertain significance (2). Last evaluated 2025-04-16.

Conditions:
Gnathodiaphyseal dysplasia (GDD). Also called: GNATHODIAPHYSEAL SCLEROSIS; OSTEOGENESIS IMPERFECTA WITH UNUSUAL SKELETAL LESIONS. Identifiers: Orphanet 53697, MedGen C1833736, MONDO:0008151, OMIM 166260.
Autosomal recessive limb-girdle muscular dystrophy type 2L (LGMDR12). Also called: Limb-girdle muscular dystrophy, type 2L; MUSCULAR DYSTROPHY, LIMB-GIRDLE, AUTOSOMAL RECESSIVE 12; Limb-Girdle Muscular Dystrophy R12 Anoctamin-5-Related (LGMD-R12). Identifiers: Orphanet 206549, MedGen C1969785, MONDO:0012652, OMIM 611307.

Submissions (2):

GeneDx
Classification: Uncertain significance. Last evaluated: 2025-04-16. Review status: criteria provided, single submitter. Criteria: GeneDx Variant Classification Process June 2021. Collection method: clinical testing. Allele origin: germline. Affected: yes.
Comment: Not observed at significant frequency in large population cohorts (gnomAD); In silico analysis supports that this missense variant has a deleterious effect on protein structure/function; In silico analysis is inconclusive as to whether the variant alters gene splicing. In the absence of RNA/functional studies, the actual effect of this sequence change is unknown.; Has not been previously published as pathogenic or benign to our knowledge

Labcorp Genetics (formerly Invitae), Labcorp
Classification: Uncertain significance for Autosomal recessive limb-girdle muscular dystrophy type 2L; Gnathodiaphyseal dysplasia. Last evaluated: 2024-10-29. Review status: criteria provided, single submitter. Criteria: Invitae Variant Classification Sherloc (09022015). Collection method: clinical testing. Allele origin: germline.
Comment: This sequence change replaces glutamic acid, which is acidic and polar, with glycine, which is neutral and non-polar, at codon 103 of the ANO5 protein (p.Glu103Gly). This variant is not present in population databases (gnomAD no frequency). This variant has not been reported in the literature in individuals affected with ANO5-related conditions. Invitae Evidence Modeling of protein sequence and biophysical properties (such as structural, functional, and spatial information, amino acid conservation, physicochemical variation, residue mobility, and thermodynamic stability) has been performed for this missense variant. However, the output from this modeling did not meet the statistical confidence thresholds required to predict the impact of this variant on ANO5 protein function. Algorithms developed to predict the effect of sequence changes on RNA splicing suggest that this variant may disrupt the consensus splice site. In summary, the available evidence is currently insufficient to determine the role of this variant in disease. Therefore, it has been classified as a Variant of Uncertain Significance.